The following is an entry in ClinVar:

NM_198253.3(TERT):c.1323G>T (p.Glu441Asp)

Gene: TERT (telomerase reverse transcriptase; minus strand). Cytogenetic location: 5p15.33.
Variant type: single nucleotide variant.
Coding change: c.1323G>T on transcript NM_198253.3 (MANE Select); coding-DNA position 1323, G replaced by T.
Protein change: p.Glu441Asp; replaces glutamic acid 441 with aspartic acid.
Molecular consequence: missense variant. On other transcripts: non-coding transcript variant (2).
Genome position (GRCh38, 1-based): chr5:1,293,563, C>A on the plus strand (G>T on the coding strand, the complement: TERT is on the minus strand). VCF-style: chr5-1293563-C-A. GRCh37 (hg19) VCF-style: chr5-1293678-C-A.
Other names: c.1323G>T, p.Glu441Asp (NM_001193376.3); short protein forms E441D.
Identifiers: ClinVar variation 642955 (VCV000642955.12), dbSNP rs1213914911, ClinGen allele CA359086196.

ClinVar aggregate classification (germline): Conflicting classifications of pathogenicity. Review status: criteria provided, conflicting classifications (1 of 4 stars). 2 submissions from 2 submitters: Uncertain significance (1); Likely benign (1). Last evaluated 2025-05-30.

Conditions:
Idiopathic Pulmonary Fibrosis. Also called: Idiopathic fibrosing alveolitis, chronic form; idiopathic fibrosing alveolitis. Identifiers: Orphanet 2032, MedGen C1800706, MeSH D054990, MONDO:0800504.
Dyskeratosis congenita, autosomal dominant 2. Identifiers: MedGen C3151443, MONDO:0013521, OMIM 613989.
Dyskeratosis congenita. Identifiers: Orphanet 1775, MedGen C0265965, MONDO:0015780.

Allele frequency attached by ClinVar (database versions not stated): gnomAD exomes below 0.00001; gnomAD 0.00001 and 0.00002; TOPMed 0.00001.
gnomAD v4.1: 4 of 1,537,520 alleles (0.00026%); highest among the groups gnomAD compares: African/African-American, 0.0055%; no homozygotes.

Submissions (2):

Ambry Genetics
Classification: Uncertain significance for Dyskeratosis congenita. Last evaluated: 2025-05-30. Review status: criteria provided, single submitter. Criteria: Ambry Variant Classification Scheme 2023. Collection method: clinical testing. Allele origin: germline.
Comment: The p.E441D variant (also known as c.1323G>T), located in coding exon 2 of the TERT gene, results from a G to T substitution at nucleotide position 1323. The glutamic acid at codon 441 is replaced by aspartic acid, an amino acid with highly similar properties. This amino acid position is well conserved in available vertebrate species. In addition, the in silico prediction for this alteration is inconclusive. Based on the available evidence, the clinical significance of this variant remains unclear.

Labcorp Genetics (formerly Invitae), Labcorp
Classification: Likely benign for Dyskeratosis congenita, autosomal dominant 2; Idiopathic Pulmonary Fibrosis. Last evaluated: 2024-12-29. Review status: criteria provided, single submitter. Criteria: Invitae Variant Classification Sherloc (09022015). Collection method: clinical testing. Allele origin: germline.